The following is an entry in ClinVar:

NM_002076.4(GNS):c.1609A>G (p.Ser537Gly)

Gene: GNS (glucosamine (N-acetyl)-6-sulfatase; minus strand). Cytogenetic location: 12q14.3.
Variant type: single nucleotide variant.
Coding change: c.1609A>G on transcript NM_002076.4 (MANE Select); coding-DNA position 1609, A replaced by G.
Protein change: p.Ser537Gly; replaces serine 537 with glycine.
Molecular consequence: missense variant.
Genome position (GRCh38, 1-based): chr12:64,716,791, T>C on the plus strand (A>G on the coding strand, the complement: GNS is on the minus strand). VCF-style: chr12-64716791-T-C. GRCh37 (hg19) VCF-style: chr12-65110571-T-C.
Other names: c.1609A>G (NM_002076.3); short protein forms S537G.
Identifiers: ClinVar variation 2201634 (VCV002201634.2), dbSNP rs776925981, ClinGen allele CA6669624.

ClinVar aggregate classification (germline): Uncertain significance. Review status: criteria provided, multiple submitters, no conflicts (2 of 4 stars). 2 submissions from 2 submitters: Uncertain significance (2). Last evaluated 2024-01-30.

Conditions:
Inborn genetic diseases. Identifiers: MedGen C0950123, MeSH D030342.
Mucopolysaccharidosis, MPS-III-D (MPS3D). Also called: N-ACETYLGLUCOSAMINE-6-SULFATASE DEFICIENCY; SANFILIPPO SYNDROME D; MPS III D; Mucopoly-saccharidosis type 3D; N-acetylglucosamine-6-sulfate sulfatase deficiency; MPS 3D. Identifiers: Orphanet 581, Orphanet 79272, MedGen C0086650, MONDO:0009658, OMIM 252940.

Allele frequency attached by ClinVar (database versions not stated): ExAC 0.00003; gnomAD 0.00001; gnomAD exomes 0.00002.
gnomAD v4.1: 29 of 1,613,238 alleles (0.0018%); highest among the groups gnomAD compares: South Asian, 0.031%; no homozygotes.

Submissions (2):

Ambry Genetics
Classification: Uncertain significance for Inborn genetic diseases. Last evaluated: 2024-01-30. Review status: criteria provided, single submitter. Criteria: Ambry Variant Classification Scheme 2023. Collection method: clinical testing. Allele origin: germline.

Labcorp Genetics (formerly Invitae), Labcorp
Classification: Uncertain significance for Mucopolysaccharidosis, MPS-III-D. Last evaluated: 2021-08-24. Review status: criteria provided, single submitter. Criteria: Invitae Variant Classification Sherloc (09022015). Collection method: clinical testing. Allele origin: germline.
Comment: This sequence change replaces serine with glycine at codon 537 of the GNS protein (p.Ser537Gly). The serine residue is moderately conserved and there is a small physicochemical difference between serine and glycine. This variant is present in population databases (rs776925981, ExAC 0.02%). This variant has not been reported in the literature in individuals affected with GNS-related conditions. Algorithms developed to predict the effect of missense changes on protein structure and function (SIFT, PolyPhen-2, Align-GVGD) all suggest that this variant is likely to be tolerated. In summary, the available evidence is currently insufficient to determine the role of this variant in disease. Therefore, it has been classified as a Variant of Uncertain Significance.